The following is an entry in ClinVar:

NM_000228.3(LAMB3):c.541A>G (p.Asn181Asp)

Gene: LAMB3 (laminin subunit beta 3; minus strand). Cytogenetic location: 1q32.2.
Variant type: single nucleotide variant.
Coding change: c.541A>G on transcript NM_000228.3 (MANE Select); coding-DNA position 541, A replaced by G.
Protein change: p.Asn181Asp; replaces asparagine 181 with aspartic acid.
Molecular consequence: missense variant.
Genome position (GRCh38, 1-based): chr1:209,634,470, T>C on the plus strand (A>G on the coding strand, the complement: LAMB3 is on the minus strand). VCF-style: chr1-209634470-T-C. GRCh37 (hg19) VCF-style: chr1-209807815-T-C.
Other names: c.541A>G, p.Asn181Asp (NM_001017402.2, NM_001127641.1); short protein forms N181D.
Identifiers: ClinVar variation 295139 (VCV000295139.15), dbSNP rs2235542, ClinGen allele CA1375943.

ClinVar aggregate classification (germline): Benign. Review status: criteria provided, multiple submitters, no conflicts (2 of 4 stars). 4 submissions from 4 submitters: Benign (4). Last evaluated 2026-02-04.

Conditions:
Junctional epidermolysis bullosa. Identifiers: Orphanet 305, MedGen C0079301, MONDO:0017612.

Allele frequency attached by ClinVar (database versions not stated): ESP Exome Variant Server 0.01630; gnomAD 0.02610 and 0.03152; TOPMed 0.03387; gnomAD exomes 0.03590 and 0.05634; ExAC 0.05354; 1000 Genomes Project 30x 0.07886; 1000 Genomes Project 0.08506.
gnomAD v4.1: 57,826 of 1,613,966 alleles (3.6%); highest among the groups gnomAD compares: East Asian, 25%; 2,553 homozygotes.

Submissions (4):

Labcorp Genetics (formerly Invitae), Labcorp
Classification: Benign. Last evaluated: 2026-02-04. Review status: criteria provided, single submitter. Criteria: Invitae Variant Classification Sherloc (09022015). Collection method: clinical testing. Allele origin: germline.

GeneDx
Classification: Benign. Last evaluated: 2021-10-27. Review status: criteria provided, single submitter. Criteria: GeneDx Variant Classification Process June 2021. Collection method: clinical testing. Allele origin: germline. Affected: yes.

Illumina Laboratory Services, Illumina
Classification: Benign for Junctional epidermolysis bullosa. Last evaluated: 2018-01-13. Review status: criteria provided, single submitter. Criteria: ICSL Variant Classification Criteria 13 December 2019. Collection method: clinical testing. Allele origin: germline.
Comment: This variant was observed in the ICSL laboratory as part of a predisposition screen in an ostensibly healthy population. It had not been previously curated by ICSL or reported in the Human Gene Mutation Database (HGMD: prior to June 1st, 2018), and was therefore a candidate for classification through an automated scoring system. Utilizing variant allele frequency, disease prevalence and penetrance estimates, and inheritance mode, an automated score was calculated to assess if this variant is too frequent to cause the disease. Based on the score and internal cut-off values, a variant classified as benign is not then subjected to further curation. The score for this variant resulted in a classification of benign for this disease.

Breakthrough Genomics
Classification: Benign. Review status: criteria provided, single submitter. Criteria: ACMG Guidelines, 2015. Collection method: not provided. Allele origin: germline. Inheritance: Autosomal recessive inheritance. Affected: yes.